The following is an entry in ClinVar:

ClinVar aggregate classification (germline): Uncertain significance. Review status: criteria provided, multiple submitters, no conflicts (2 of 4 stars). 2 submissions from 2 submitters: Uncertain significance (2). Last evaluated 2025-08-22.

Conditions:
Inborn genetic diseases. Identifiers: MedGen C0950123, MeSH D030342.
Nemaline myopathy 10 (NEM10). Identifiers: MedGen C4015360, MONDO:0014513, OMIM 616165.

Allele frequency attached by ClinVar (database versions not stated): gnomAD exomes below 0.00001 and 0.00001; ExAC 0.00001; TOPMed 0.00002.
gnomAD v4.1: 8 of 1,613,008 alleles (0.0005%); highest among the groups gnomAD compares: Non-Finnish European, 0.00068%; no homozygotes.

Submissions (2):

Ambry Genetics
Classification: Uncertain significance for Inborn genetic diseases. Last evaluated: 2025-08-22. Review status: criteria provided, single submitter. Criteria: Ambry Variant Classification Scheme 2023. Collection method: clinical testing. Allele origin: germline.

Labcorp Genetics (formerly Invitae), Labcorp
Classification: Uncertain significance for Nemaline myopathy 10. Last evaluated: 2022-03-14. Review status: criteria provided, single submitter. Criteria: Invitae Variant Classification Sherloc (09022015). Collection method: clinical testing. Allele origin: germline.
Comment: This sequence change replaces asparagine, which is neutral and polar, with serine, which is neutral and polar, at codon 19 of the LMOD3 protein (p.Asn19Ser). This variant is present in population databases (rs769663073, gnomAD 0.002%). This variant has not been reported in the literature in individuals affected with LMOD3-related conditions. ClinVar contains an entry for this variant (Variation ID: 947404). Algorithms developed to predict the effect of missense changes on protein structure and function (SIFT, PolyPhen-2, Align-GVGD) all suggest that this variant is likely to be tolerated. In summary, the available evidence is currently insufficient to determine the role of this variant in disease. Therefore, it has been classified as a Variant of Uncertain Significance.

NM_198271.5(LMOD3):c.56A>G (p.Asn19Ser)

Genes: LMOD3 (leiomodin 3; minus strand), LOC126806710 (CDK7 strongly-dependent group 2 enhancer GRCh37_chr3:69170601-69171800; plus strand). Cytogenetic location: 3p14.1.
Variant type: single nucleotide variant.
Coding change: c.56A>G on transcript NM_198271.5 (MANE Select); coding-DNA position 56, A replaced by G.
Protein change: p.Asn19Ser; replaces asparagine 19 with serine.
Molecular consequence: missense variant.
Genome position (GRCh38, 1-based): chr3:69,122,331, T>C on the plus strand (A>G on the coding strand, the complement: LMOD3 is on the minus strand). VCF-style: chr3-69122331-T-C. GRCh37 (hg19) VCF-style: chr3-69171482-T-C.
Other names: c.56A>G, p.Asn19Ser (NM_001304418.3); c.56A>G (NM_198271.3); short protein forms N19S.
Identifiers: ClinVar variation 947404 (VCV000947404.5), dbSNP rs769663073, ClinGen allele CA2489087.